The following is an entry in ClinVar:

NM_000138.5(FBN1):c.6038-4T>A

Gene: FBN1 (fibrillin 1; minus strand). Cytogenetic location: 15q21.1.
Variant type: single nucleotide variant.
Coding change: c.6038-4T>A on transcript NM_000138.5 (MANE Select); 4 bases into the intron before coding-DNA position 6038, T replaced by A.
Molecular consequence: intron variant.
Genome position (GRCh38, 1-based): chr15:48,441,850, A>T on the plus strand (T>A on the coding strand, the complement: FBN1 is on the minus strand). VCF-style: chr15-48441850-A-T. GRCh37 (hg19) VCF-style: chr15-48734047-A-T.
Identifiers: ClinVar variation 924819 (VCV000924819.3), dbSNP rs2043117871, ClinGen allele CA1139663958.

ClinVar aggregate classification (germline): Uncertain significance (1 of 4 stars; one submission).

Conditions:
Familial thoracic aortic aneurysm and aortic dissection (TAAD). Also called: Thoracic aortic aneurysms and dissections. Identifiers: Orphanet 91387, MedGen C4707243, MONDO:0019625.

gnomAD v4.1: 2 of 1,612,906 alleles (0.00012%); highest among the groups gnomAD compares: Non-Finnish European, 0.00017%; no homozygotes.

Submission:

Color Diagnostics, LLC DBA Color Health
Classification: Uncertain significance for Familial thoracic aortic aneurysm and aortic dissection. Last evaluated: 2019-09-30. Review status: criteria provided, single submitter. Criteria: ACMG Guidelines, 2015. Collection method: clinical testing. Allele origin: germline.
Comment: This variant causes a T>A nucleotide substitution at the -4 position of intron 49 of the FBN1 gene. To our knowledge, functional studies have not been performed for this variant. This variant has not been reported in individuals affected with cardiovascular disorders in the literature. This variant has not been identified in the general population by the Genome Aggregation Database (gnomAD). The available evidence is insufficient to determine the role of this variant in disease conclusively. Therefore, this variant is classified as a Variant of Uncertain Significance.